The following is an entry in ClinVar:

ClinVar aggregate classification (germline): Uncertain significance (1 of 4 stars; one submission).

Allele frequency attached by ClinVar (database versions not stated): TOPMed below 0.00001; gnomAD exomes 0.00001.
gnomAD v4.1: 5 of 1,614,204 alleles (0.00031%); highest among the groups gnomAD compares: Middle Eastern, 0.016%; no homozygotes.

Submission:

Labcorp Genetics (formerly Invitae), Labcorp
Classification: Uncertain significance. Last evaluated: 2023-06-16. Review status: criteria provided, single submitter. Criteria: Invitae Variant Classification Sherloc (09022015). Collection method: clinical testing. Allele origin: germline.
Comment: This sequence change affects codon 119 of the IL18BP mRNA. It is a 'silent' change, meaning that it does not change the encoded amino acid sequence of the IL18BP protein. This variant is not present in population databases (gnomAD no frequency). This variant has not been reported in the literature in individuals affected with IL18BP-related conditions. In summary, the available evidence is currently insufficient to determine the role of this variant in disease. Therefore, it has been classified as a Variant of Uncertain Significance.

NM_001039660.2(IL18BP):c.357C>G (p.Thr119=)

Gene: IL18BP (interleukin 18 binding protein; plus strand). Cytogenetic location: 11q13.4.
Variant type: single nucleotide variant.
Coding change: c.357C>G on transcript NM_001039660.2 (MANE Select); coding-DNA position 357, C replaced by G.
Protein change: p.Thr119=; no amino-acid change (threonine 119 retained).
Molecular consequence: synonymous variant. On other transcripts: intron variant (1).
Genome position (GRCh38, 1-based): chr11:72,001,322, C>G. VCF-style: chr11-72001322-C-G. GRCh37 (hg19) VCF-style: chr11-71712368-C-G.
Other names: c.357C>G, p.Thr119= (NM_001039659.2, NM_001145057.1, NM_005699.3 and 2 more transcripts); c.236-462C>G (NM_001145055.1).
Identifiers: ClinVar variation 2849771 (VCV002849771.3), dbSNP rs1955215868, ClinGen allele CA475861346.
Genomic context (GRCh38, chr11:72,001,322, plus strand): 5'-CTGGCTGGGCAATGGTTCCTTCATTGAGCACCTCCCAGGCCGACTGTGGGAGGGGAGCAC[C>G]AGGTGAGGGTCGCAGCAGCCAGGTGGGTGGGAAGGAGGCCTTCTGCGGCCTTCTCATGAC-3'
Protein context (NP_001034749.1, residues 109-129): HLPGRLWEGS[Thr119=]SRERGSTGTQ